The following is an entry in ClinVar:

ClinVar aggregate classification (germline): Pathogenic. Review status: reviewed by expert panel (3 of 4 stars). 2 submissions from 2 submitters: Pathogenic (1). 1 of the submissions does not count toward it. Last evaluated 2016-10-18.

Conditions:
Breast-ovarian cancer, familial, susceptibility to, 1 (BROVCA1). Also called: BRCA1 Hereditary Breast and Ovarian Cancer; OVARIAN CANCER, SUSCEPTIBILITY TO. Identifiers: Orphanet 145, MedGen C2676676, MONDO:0011450, OMIM 604370. Disease mechanism: loss of function.

Submissions (2):

Evidence-based Network for the Interpretation of Germline Mutant Alleles (ENIGMA)
Classification: Pathogenic for Breast-ovarian cancer, familial, susceptibility to, 1. Last evaluated: 2016-10-18. Review status: reviewed by expert panel. Criteria: ENIGMA BRCA1/2 Classification Criteria (2015). Collection method: curation. Allele origin: germline.
Comment: Variant allele predicted to encode a truncated non-functional protein.

Consortium of Investigators of Modifiers of BRCA1/2 (CIMBA), c/o University of Cambridge
Classification: Pathogenic for Breast-ovarian cancer, familial, susceptibility to, 1. Last evaluated: 2015-10-02. Review status: criteria provided, single submitter. Criteria: CIMBA Mutation Classification guidelines May 2016. Collection method: clinical testing. Allele origin: germline. Not counted in ClinVar's aggregate classification.

NM_007294.4(BRCA1):c.3211_3212dup (p.Leu1072fs)

Genes: BRCA1 (BRCA1 DNA repair associated; minus strand), LOC126862571 (BRD4-independent group 4 enhancer GRCh37_chr17:41243136-41244335; plus strand). Cytogenetic location: 17q21.31.
Variant type: Duplication.
Coding change: c.3211_3212dup on transcript NM_007294.4 (MANE Select); coding-DNA positions 3211 to 3212, 2 bases duplicated (GA; older notation c.3211_3212dupGA).
Protein change: p.Leu1072fs; shifts the reading frame from leucine 1072.
Molecular consequence: frameshift variant. On other transcripts: intron variant (137).
Genome position (GRCh38, 1-based): chr17:43,092,319-43,092,320, TC duplicated on the plus strand (GA on the coding strand, the reverse complement: BRCA1 is on the minus strand); duplicating any 2 consecutive bases within chr17:43,092,319-43,092,321 gives the same sequence; the c. name uses the placement nearest the transcript's 3' end. VCF-style (leftmost placement, unchanged base first): chr17-43092318-T-TTC. GRCh37 (hg19) VCF-style: chr17-41244335-T-TTC.
Other names: 3328insAG; c.3211_3212dup, p.Leu1072fs (NM_007294.3, NM_001407581.1, NM_001407582.1 and 31 more transcripts); c.2998_2999dup, p.Leu1001fs (NM_001407571.1, NM_001407853.1, NM_001407894.1 and 9 more transcripts); c.3208_3209dup, p.Leu1071fs (NM_001407610.1, NM_001407611.1, NM_001407612.1 and 22 more transcripts); c.3202_3203dup, p.Leu1069fs (NM_001407646.1, NM_001407647.1); c.3088_3089dup, p.Leu1031fs (NM_001407648.1, NM_001407664.1, NM_001407665.1 and 19 more transcripts); c.3085_3086dup, p.Leu1030fs (NM_001407649.1, NM_001407670.1, NM_001407671.1 and 11 more transcripts); c.3133_3134dup, p.Leu1046fs (NM_001407653.1, NM_001407654.1, NM_001407655.1 and 4 more transcripts); and 42 more; short protein forms L1025fs, L1072fs, L1005fs, L1045fs, L776fs, L904fs, L945fs, L983fs.
Identifiers: ClinVar variation 266344 (VCV000266344.6), dbSNP rs886040105, ClinGen allele CA10589775.
Genomic context (GRCh38, chr17:43,092,318, plus strand): 5'-AGGTTGCAAAACCCCTAATCTAAGCATAGCATTCAATTTTGGCCCTCTGTTTCTACCTAG[T>TTC]TCTGCTTGAATGTTTTCATCACTGGAACCTATTTCATTAATACTGGAGCCCACTTCATTA-3'